The following is an entry in ClinVar:

ClinVar aggregate classification (germline): Uncertain significance (1 of 4 stars; one submission).

gnomAD v4.1: 1 of 1,607,468 alleles (0.000062%); highest among the groups gnomAD compares: Non-Finnish European, 0.000085%; no homozygotes.

Submission:

Labcorp Genetics (formerly Invitae), Labcorp
Classification: Uncertain significance. Last evaluated: 2025-01-29. Review status: criteria provided, single submitter. Criteria: Invitae Variant Classification Sherloc (09022015). Collection method: clinical testing. Allele origin: germline.
Comment: This sequence change replaces valine, which is neutral and non-polar, with leucine, which is neutral and non-polar, at codon 42 of the RUNX2 protein (p.Val42Leu). This variant is not present in population databases (gnomAD no frequency). This variant has not been reported in the literature in individuals affected with RUNX2-related conditions. Invitae Evidence Modeling of protein sequence and biophysical properties (such as structural, functional, and spatial information, amino acid conservation, physicochemical variation, residue mobility, and thermodynamic stability) indicates that this missense variant is not expected to disrupt RUNX2 protein function with a negative predictive value of 80%. In summary, the available evidence is currently insufficient to determine the role of this variant in disease. Therefore, it has been classified as a Variant of Uncertain Significance.

NM_001024630.4(RUNX2):c.124G>C (p.Val42Leu)

Gene: RUNX2 (RUNX family transcription factor 2; plus strand). Cytogenetic location: 6p21.1.
Variant type: single nucleotide variant.
Coding change: c.124G>C on transcript NM_001024630.4 (MANE Select); coding-DNA position 124, G replaced by C.
Protein change: p.Val42Leu; replaces valine 42 with leucine.
Molecular consequence: missense variant.
Genome position (GRCh38, 1-based): chr6:45,422,658, G>C. VCF-style: chr6-45422658-G-C. GRCh37 (hg19) VCF-style: chr6-45390395-G-C.
Other names: c.124G>C, p.Val42Leu (NM_001015051.4); c.82G>C, p.Val28Leu (NM_001278478.2, NM_001369405.1); short protein forms V28L, V42L.
Identifiers: ClinVar variation 3620709 (VCV003620709.2).